The following is an entry in ClinVar:

NM_000057.4(BLM):c.1396G>A (p.Gly466Arg)

Gene: BLM (BLM RecQ like helicase; plus strand). Cytogenetic location: 15q26.1.
Variant type: single nucleotide variant.
Coding change: c.1396G>A on transcript NM_000057.4 (MANE Select); coding-DNA position 1396, G replaced by A.
Protein change: p.Gly466Arg; replaces glycine 466 with arginine.
Molecular consequence: missense variant.
Genome position (GRCh38, 1-based): chr15:90,760,769, G>A. VCF-style: chr15-90760769-G-A. GRCh37 (hg19) VCF-style: chr15-91303999-G-A.
Other names: c.1396G>A, p.Gly466Arg (NM_001287246.2, NM_001287247.2); c.271G>A, p.Gly91Arg (NM_001287248.2); short protein forms G466R, G91R.
Identifiers: ClinVar variation 819099 (VCV000819099.13), dbSNP rs747760482, ClinGen allele CA7738530.

ClinVar aggregate classification (germline): Uncertain significance. Review status: criteria provided, multiple submitters, no conflicts (2 of 4 stars). 3 submissions from 3 submitters: Uncertain significance (2). 1 of the submissions does not count toward it. Last evaluated 2025-04-28.

Conditions:
Hereditary cancer-predisposing syndrome. Also called: Tumor predisposition; Hereditary neoplastic syndrome; Neoplastic Syndromes, Hereditary; Hereditary Cancer Syndrome. Identifiers: Orphanet 140162, MedGen C0027672, MeSH D009386, MONDO:0015356.
Bloom syndrome (BLM). Also called: Bloom-Torre-Machacek syndrome. Identifiers: Orphanet 125, MedGen C0005859, MONDO:0008876, OMIM 210900.

Allele frequency attached by ClinVar (database versions not stated): TOPMed below 0.00001; ExAC 0.00001; gnomAD exomes 0.00001; gnomAD 0.00003.
gnomAD v4.1: 20 of 1,613,974 alleles (0.0012%); highest among the groups gnomAD compares: Non-Finnish European, 0.0016%; no homozygotes.

Submissions (3):

Ambry Genetics
Classification: Uncertain significance for Hereditary cancer-predisposing syndrome. Last evaluated: 2025-04-28. Review status: criteria provided, single submitter. Criteria: Ambry Variant Classification Scheme 2023. Collection method: clinical testing. Allele origin: germline.
Comment: The p.G466R variant (also known as c.1396G>A), located in coding exon 6 of the BLM gene, results from a G to A substitution at nucleotide position 1396. The glycine at codon 466 is replaced by arginine, an amino acid with dissimilar properties. This amino acid position is poorly conserved in available vertebrate species. In addition, this alteration is predicted to be tolerated by in silico analysis. Since supporting evidence is limited at this time, the clinical significance of this alteration remains unclear.

Labcorp Genetics (formerly Invitae), Labcorp
Classification: Uncertain significance for Bloom syndrome. Last evaluated: 2024-07-26. Review status: criteria provided, single submitter. Criteria: Invitae Variant Classification Sherloc (09022015). Collection method: clinical testing. Allele origin: germline.
Comment: This sequence change replaces glycine, which is neutral and non-polar, with arginine, which is basic and polar, at codon 466 of the BLM protein (p.Gly466Arg). This variant is present in population databases (rs747760482, gnomAD 0.002%). This variant has not been reported in the literature in individuals affected with BLM-related conditions. ClinVar contains an entry for this variant (Variation ID: 819099). Advanced modeling of protein sequence and biophysical properties (such as structural, functional, and spatial information, amino acid conservation, physicochemical variation, residue mobility, and thermodynamic stability) performed at Invitae indicates that this missense variant is not expected to disrupt BLM protein function with a negative predictive value of 80%. RNA analysis performed to evaluate the impact of this missense change on mRNA splicing indicates it does not significantly alter splicing (Invitae). In summary, the available evidence is currently insufficient to determine the role of this variant in disease. Therefore, it has been classified as a Variant of Uncertain Significance.

Natera, Inc.
Classification: Uncertain significance for Bloom syndrome. Last evaluated: 2020-03-27. Review status: no assertion criteria provided. Collection method: clinical testing. Allele origin: germline. Not counted in ClinVar's aggregate classification.